The following is an entry in ClinVar:

ClinVar aggregate classification (germline): Pathogenic (1 of 4 stars; one submission).

Submission:

GeneDx
Classification: Pathogenic. Last evaluated: 2026-02-18. Review status: criteria provided, single submitter. Criteria: GeneDx Variant Classification Process June 2021. Collection method: clinical testing. Allele origin: germline.
Comment: Nonsense variant predicted to result in protein truncation or nonsense mediated decay in a gene for which loss of function is a known mechanism of disease; Not observed at significant frequency in large population cohorts (gnomAD); This variant is associated with the following publications: (PMID: 25525159, 17582161, 30333007)

NM_001009944.3(PKD1):c.5120G>A (p.Trp1707Ter)

Gene: PKD1 (polycystin 1, transient receptor potential channel interacting; minus strand). Cytogenetic location: 16p13.3.
Variant type: single nucleotide variant.
Coding change: c.5120G>A on transcript NM_001009944.3 (MANE Select); coding-DNA position 5120, G replaced by A.
Protein change: p.Trp1707Ter; replaces tryptophan 1707 with a stop codon.
Molecular consequence: nonsense.
Genome position (GRCh38, 1-based): chr16:2,110,047, C>T on the plus strand (G>A on the coding strand, the complement: PKD1 is on the minus strand). VCF-style: chr16-2110047-C-T. GRCh37 (hg19) VCF-style: chr16-2160048-C-T.
Other names: c.5120G>A, p.Trp1707Ter (NM_000296.4); short protein forms W1707*.
Identifiers: ClinVar variation 4887948 (VCV004887948.1).